The following is an entry in ClinVar:

NM_007375.4(TARDBP):c.1069G>C (p.Gly357Arg)

Gene: TARDBP (TAR DNA binding protein; plus strand). Cytogenetic location: 1p36.22.
Variant type: single nucleotide variant.
Coding change: c.1069G>C on transcript NM_007375.4 (MANE Select); coding-DNA position 1069, G replaced by C.
Protein change: p.Gly357Arg; replaces glycine 357 with arginine.
Molecular consequence: missense variant.
Genome position (GRCh38, 1-based): chr1:11,022,478, G>C. VCF-style: chr1-11022478-G-C. GRCh37 (hg19) VCF-style: chr1-11082535-G-C.
Other names: short protein forms G357R.
Identifiers: ClinVar variation 1446008 (VCV001446008.7), dbSNP rs1553159719, ClinGen allele CA338367703.

ClinVar aggregate classification (germline): Conflicting classifications of pathogenicity. Review status: criteria provided, conflicting classifications (1 of 4 stars). 2 submissions from 2 submitters: Likely pathogenic (1); Uncertain significance (1). Last evaluated 2024-12-06.

Conditions:
Amyotrophic lateral sclerosis type 10 (ALS10). Also called: AMYOTROPHIC LATERAL SCLEROSIS 10 WITHOUT FRONTOTEMPORAL DEMENTIA AND WITH TDP43 INCLUSIONS; AMYOTROPHIC LATERAL SCLEROSIS 10 WITH OR WITHOUT FRONTOTEMPORAL DEMENTIA AND WITH TDP43 INCLUSIONS; AMYOTROPHIC LATERAL SCLEROSIS 10 WITH OR WITHOUT FRONTOTEMPORAL DEMENTIA; TARDBP-Related Amyotrophic Lateral Sclerosis-Frontotemporal Dementia; Amyotrophic lateral sclerosis 10, with or without FTD. Identifiers: Orphanet 275872, Orphanet 803, MedGen C2677565, MONDO:0012790, OMIM 612069.
FRONTOTEMPORAL LOBAR DEGENERATION WITH TDP43 INCLUSIONS, TARDBP-RELATED. Also called: Frontotemporal lobar degeneration, TARDBP-related. Identifiers: MedGen C3150169, OMIM 612069.

Submissions (2):

Department of Clinical Genetics, Copenhagen University Hospital, Rigshospitalet
Classification: Likely pathogenic for Amyotrophic lateral sclerosis type 10. Last evaluated: 2024-12-06. Review status: criteria provided, single submitter. Criteria: ACMG Guidelines, 2015. Collection method: clinical testing. Allele origin: germline.
Comment: PS4_Str, PP2_Sup, PM6_Sup, PM2_Sup

Labcorp Genetics (formerly Invitae), Labcorp
Classification: Uncertain significance for Amyotrophic lateral sclerosis type 10; FRONTOTEMPORAL LOBAR DEGENERATION WITH TDP43 INCLUSIONS, TARDBP-RELATED. Last evaluated: 2024-05-21. Review status: criteria provided, single submitter. Criteria: Invitae Variant Classification Sherloc (09022015). Collection method: clinical testing. Allele origin: germline.
Comment: This sequence change replaces glycine, which is neutral and non-polar, with arginine, which is basic and polar, at codon 357 of the TARDBP protein (p.Gly357Arg). This variant is not present in population databases (gnomAD no frequency). This missense change has been observed in individual(s) with clinical features of amyotrophic lateral sclerosis (PMID: 22456481; Invitae). ClinVar contains an entry for this variant (Variation ID: 1446008). An algorithm developed to predict the effect of missense changes on protein structure and function (PolyPhen-2) suggests that this variant is likely to be disruptive. In summary, the available evidence is currently insufficient to determine the role of this variant in disease. Therefore, it has been classified as a Variant of Uncertain Significance.

Literature cited by the submitters: PubMed 22456481 (cited by Department of Clinical Genetics, Copenhagen University Hospital, Rigshospitalet and Labcorp Genetics (formerly Invitae), Labcorp).